The following is an entry in ClinVar:

NM_001360.3(DHCR7):c.89G>C (p.Gly30Ala)

Gene: DHCR7 (7-dehydrocholesterol reductase; minus strand). Cytogenetic location: 11q13.4.
Variant type: single nucleotide variant.
Coding change: c.89G>C on transcript NM_001360.3 (MANE Select); coding-DNA position 89, G replaced by C.
Protein change: p.Gly30Ala; replaces glycine 30 with alanine.
Molecular consequence: missense variant.
Genome position (GRCh38, 1-based): chr11:71,444,864, C>G on the plus strand (G>C on the coding strand, the complement: DHCR7 is on the minus strand). VCF-style: chr11-71444864-C-G. GRCh37 (hg19) VCF-style: chr11-71155910-C-G.
Other names: c.89G>C, p.Gly30Ala (NM_001163817.2); short protein forms G30A.
Identifiers: ClinVar variation 397518 (VCV000397518.73), dbSNP rs200334114, ClinGen allele CA6162711.

ClinVar aggregate classification (germline): Conflicting classifications of pathogenicity. Review status: criteria provided, conflicting classifications (1 of 4 stars). 17 submissions from 17 submitters: Pathogenic (4); Likely pathogenic (11); Uncertain significance (1). 1 of the submissions does not count toward it. Last evaluated 2026-06-08.

Conditions:
Differences in sex development.
DHCR7-related disorder. Also called: DHCR7-related condition.
Inborn genetic diseases. Identifiers: MedGen C0950123, MeSH D030342.
Smith-Lemli-Opitz syndrome (SLOS). Also called: 7-Dehydrocholesterol reductase deficiency; POLYDACTYLY, SEX REVERSAL, RENAL HYPOPLASIA, AND UNILOBAR LUNG; RSH SYNDROME; RUTLEDGE LETHAL MULTIPLE CONGENITAL ANOMALY SYNDROME; LETHAL ACRODYSGENITAL SYNDROME. Identifiers: Orphanet 818, MedGen C0175694, MONDO:0010035, OMIM 270400.

Allele frequency attached by ClinVar (database versions not stated): ExAC 0.00005; gnomAD 0.00006; gnomAD exomes 0.00006 and 0.00013; TOPMed 0.00008; 1000 Genomes Project 30x 0.00016; 1000 Genomes Project 0.00020.
gnomAD v4.1: 198 of 1,614,062 alleles (0.012%); highest among the groups gnomAD compares: Non-Finnish European, 0.017%; no homozygotes.

Submissions (17):

Women's Health and Genetics/Laboratory Corporation of America, LabCorp
Classification: Likely pathogenic for Smith-Lemli-Opitz syndrome. Last evaluated: 2026-06-08. Review status: criteria provided, single submitter. Criteria: LabCorp Variant Classification Summary - May 2015. Collection method: clinical testing. Allele origin: germline.
Comment: Variant summary: DHCR7 c.89G>C (p.Gly30Ala) results in a non-conservative amino acid change in the encoded protein sequence. Algorithms developed to predict the effect of missense changes on protein structure and function all suggest that this variant is likely to be disruptive. The variant allele was found at a frequency of 6.4e-05 in 251594 control chromosomes. This frequency is not significantly higher than estimated for disease-causing variants in DHCR7, allowing no conclusion about variant significance. c.89G>C has been observed in individuals affected with Smith-Lemli-Opitz Syndrome (Blahakova_2007, Haas_2007, Gabriel_2022). These data indicate that the variant is likely to be associated with disease. To our knowledge, no experimental evidence demonstrating an impact on protein function has been reported. The following publications have been ascertained in the context of this evaluation (PMID: 17994283, 34958143, 17497248, 23042628). ClinVar contains an entry for this variant (Variation ID: 397518). Based on the evidence outlined above, the variant was classified as likely pathogenic.

NHS Central & South Genomic Laboratory Hub
Classification: Pathogenic for Differences in sex development. Last evaluated: 2026-04-22. Review status: criteria provided, single submitter. Criteria: ACMG Guidelines, 2015. Collection method: clinical testing. Allele origin: germline. Affected: yes.

Natera, Inc.
Classification: Likely pathogenic for Smith-Lemli-Opitz syndrome. Last evaluated: 2026-01-13. Review status: criteria provided, single submitter. Criteria: Natera Variant Classification Schema (03/2026). Collection method: clinical testing. Allele origin: germline.
Comment: The c.89G>C variant in DHCR7 is a missense variant predicted to cause substitution of glycine to alanine at amino acid 30. This variant is rare in the general population with a frequency below the threshold expected for the associated phenotype(s). This variant has been observed in one or more individuals affected with the associated recessive disease, as either homozygous or compound heterozygous with a second variant (PMID: 17497248). Additionally, this variant has been observed to segregate in affected family members (PMID: 17497248). Computational prediction algorithms indicate this variant is likely to affect gene or protein function. Given the available evidence, this variant is classified as Likely Pathogenic.

Labcorp Genetics (formerly Invitae), Labcorp
Classification: Likely pathogenic for Smith-Lemli-Opitz syndrome. Last evaluated: 2025-12-24. Review status: criteria provided, single submitter. Criteria: Invitae Variant Classification Sherloc (09022015). Collection method: clinical testing. Allele origin: germline.
Comment: This sequence change replaces glycine, which is neutral and non-polar, with alanine, which is neutral and non-polar, at codon 30 of the DHCR7 protein (p.Gly30Ala). This variant is present in population databases (rs200334114, gnomAD 0.01%). This missense change has been observed in individual(s) with clinical features of DHCR7-related conditions (PMID: 17497248, 17994283, 34958143). ClinVar contains an entry for this variant (Variation ID: 397518). Invitae Evidence Modeling of protein sequence and biophysical properties (such as structural, functional, and spatial information, amino acid conservation, physicochemical variation, residue mobility, and thermodynamic stability) indicates that this missense variant is expected to disrupt DHCR7 protein function with a positive predictive value of 95%. In summary, the currently available evidence indicates that the variant is pathogenic, but additional data are needed to prove that conclusively. Therefore, this variant has been classified as Likely Pathogenic.

PreventionGenetics, part of Exact Sciences
Classification: Likely pathogenic for DHCR7-related condition. Last evaluated: 2025-10-22. Review status: criteria provided, single submitter. Criteria: ACMG Guidelines, 2015. Collection method: clinical testing. Allele origin: germline.
Comment: The DHCR7 c.89G>C variant is predicted to result in the amino acid substitution p.Gly30Ala. This variant has been reported, along with a second causative variant, in two patients with biochemically diagnosed Smith-Lemli-Opitz syndrome (SLOS) (Haas et al. 2007. PubMed ID: 17497248). It has also been observed along with a second causative variant in a prenatal case with biochemical test results consistent with SLOS (i.e. elevated 7-dehydrocholesterol in the amniotic fluid) (Blahakova et al. 2007. PubMed ID: 17994283). In addition, the c.89G>C variant was identified, along with a nonsense variant in DHCR7 gene, in a fetus with corpus callosum agenesis, and ventriculomegaly (Table S1, Gabriel et al. 2022. PubMed ID: 34958143). This variant is reported in 0.014% of alleles in individuals of European (Non-Finnish) descent in gnomAD. This variant is interpreted as likely pathogenic.

Dasa
Classification: Likely pathogenic. Last evaluated: 2025-07-01. Review status: criteria provided, single submitter. Criteria: DASA Assertion Criteria. Collection method: clinical testing. Allele origin: germline.
Comment: NM_001360.3(DHCR7):c.89G>C (p.Gly30Ala) is a missense variant that results in the substitution of glycine with alanine. The affected residue or protein region has prior evidence supporting clinical relevance. Segregation data support an association with disease in the reported family/families (PMID: 34958143; PMID: 17994283; PMID: 17497248). This variant has been recurrently observed in individuals with DHCR7-related disorders (PMID: 34958143; PMID: 17994283; PMID: 17497248). Also, this variant is rare in population databases. Computational evidence supports a deleterious effect. Based on the currently available evidence, this variant is classified as likely pathogenic.

CeGaT Center for Human Genetics Tuebingen
Classification: Pathogenic. Last evaluated: 2025-03-01. Review status: criteria provided, single submitter. Criteria: CeGaT Center For Human Genetics Tuebingen Variant Classification Criteria Version 2. Collection method: clinical testing. Allele origin: germline. Affected: yes. Observed: 6 variant alleles.
Comment: DHCR7: PM3:Very Strong, PM2

Blueprint Genetics
Classification: Likely pathogenic for DHCR7-related disorders. Last evaluated: 2024-11-07. Review status: criteria provided, single submitter. Criteria: ACMG Guidelines, 2015. Collection method: clinical testing. Allele origin: germline. Affected: yes. Observed: 5 variant alleles.

Revvity Omics, Revvity
Classification: Likely pathogenic for Smith-Lemli-Opitz syndrome. Last evaluated: 2024-09-24. Review status: criteria provided, single submitter. Criteria: ACMG Guidelines, 2015. Collection method: clinical testing. Allele origin: germline.

Mayo Clinic Laboratories, Mayo Clinic
Classification: Likely pathogenic. Last evaluated: 2024-08-21. Review status: criteria provided, single submitter. Criteria: ACMG Guidelines, 2015. Collection method: clinical testing. Allele origin: germline. Observed: 1 variant allele.
Comment: PP3, PP4, PM2, PM3_strong

Fulgent Genetics
Classification: Likely pathogenic for Smith-Lemli-Opitz syndrome. Last evaluated: 2024-06-13. Review status: criteria provided, single submitter. Criteria: ACMG Guidelines, 2015. Collection method: clinical testing. Allele origin: germline.

Ambry Genetics
Classification: Likely pathogenic for Inborn genetic diseases. Last evaluated: 2024-04-03. Review status: criteria provided, single submitter. Criteria: Ambry Variant Classification Scheme 2023. Collection method: clinical testing. Allele origin: germline.
Comment: The c.89G>C (p.G30A) alteration is located in exon 3 (coding exon 1) of the DHCR7 gene. This alteration results from a G to C substitution at nucleotide position 89, causing the glycine (G) at amino acid position 30 to be replaced by an alanine (A). Based on data from gnomAD, the C allele has an overall frequency of 0.006% (18/282898) total alleles studied. The highest observed frequency was 0.014% (18/129194) of European (non-Finnish) alleles. This variant has been identified in conjunction with another DHCR7 variant in one individual with Smith-Lemli-Opitz confirmed by sterol analysis, in one individual with corpus callosum agenesis and ventriculomegaly, and in the fetus of one pregnant individual with increased 7-DHCR in amniotic fluid (Haas, 2007; Blahakova, 2007; Gabriel, 2022). This amino acid position is highly conserved in available vertebrate species. This alteration is predicted to be deleterious by in silico analysis. Based on the available evidence, this alteration is classified as likely pathogenic.

GeneDx
Classification: Pathogenic. Last evaluated: 2023-11-01. Review status: criteria provided, single submitter. Criteria: GeneDx Variant Classification Process June 2021. Collection method: clinical testing. Allele origin: germline. Affected: yes.
Comment: Not observed at a significant frequency in large population cohorts (gnomAD); In silico analysis supports that this missense variant has a deleterious effect on protein structure/function; This variant is associated with the following publications: (PMID: 28250423, 23042628, 17497248, 34958143, 34308104, 17994283, 27535533)

MGZ Medical Genetics Center
Classification: Likely pathogenic for Smith-Lemli-Opitz syndrome. Last evaluated: 2022-02-21. Review status: criteria provided, single submitter. Criteria: ACMG Guidelines, 2015. Collection method: clinical testing. Allele origin: germline. Affected: yes. Observed: 1 variant allele.
Comment: ACMG criteria applied: PS4, PM3, PM2_SUP, PP1, PP3

Eurofins Ntd Llc (ga)
Classification: Uncertain significance. Last evaluated: 2017-07-25. Review status: criteria provided, single submitter. Criteria: EGL Classification Definitions 2015. Collection method: clinical testing. Allele origin: germline. Observed: 1 variant allele, 1 heterozygote.

Center of Genomic medicine, Geneva, University Hospital of Geneva
Classification: Pathogenic for Smith-Lemli-Opitz syndrome. Last evaluated: 2016-09-14. Review status: criteria provided, single submitter. Criteria: ACMG Guidelines, 2015. Collection method: clinical testing. Allele origin: maternal. Affected: yes.

Counsyl
Classification: Uncertain significance for Smith-Lemli-Opitz syndrome. Last evaluated: 2017-05-03. Review status: no assertion criteria provided. Collection method: clinical testing. Allele origin: unknown. Not counted in ClinVar's aggregate classification.

Literature cited by the submitters: PubMed 23042628 (cited by Women's Health and Genetics/Laboratory Corporation of America, LabCorp and Mayo Clinic Laboratories, Mayo Clinic); PubMed 17497248 (cited by 6 submitters); PubMed 17994283 (cited by 6 submitters); PubMed 34958143 (cited by 5 submitters); PubMed 24813812 (cited by Mayo Clinic Laboratories, Mayo Clinic); PubMed 28250423 (cited by Mayo Clinic Laboratories, Mayo Clinic); PubMed 30496128 (cited by Mayo Clinic Laboratories, Mayo Clinic).